The following is an entry in ClinVar:

ClinVar aggregate classification (germline): Benign/Likely benign. Review status: criteria provided, multiple submitters, no conflicts (2 of 4 stars). 6 submissions from 6 submitters: Benign (3); Likely benign (2). 1 of the submissions does not count toward it. Last evaluated 2025-07-16.

Conditions:
HSF4-related disorder. Also called: HSF4-related condition.
Cataract 5 multiple types (CTRCT5). Also called: CATARACT 5, LAMELLAR; Lamellar cataract; CATARACT, MARNER TYPE. Identifiers: Orphanet 91492, MedGen C0266537, MONDO:0007290, OMIM 116800, HP:0007971.

Allele frequency attached by ClinVar (database versions not stated): gnomAD 0.00186 and 0.00196; TOPMed 0.00189; ExAC 0.00196; gnomAD exomes 0.00203; ESP Exome Variant Server 0.00253.
gnomAD v4.1: 4,430 of 1,614,186 alleles (0.27%); highest among the groups gnomAD compares: Non-Finnish European, 0.34%; 11 homozygotes.

Submissions (6):

Labcorp Genetics (formerly Invitae), Labcorp
Classification: Likely benign for Cataract 5 multiple types. Last evaluated: 2025-07-16. Review status: criteria provided, single submitter. Criteria: Invitae Variant Classification Sherloc (09022015). Collection method: clinical testing. Allele origin: germline.

Blueprint Genetics
Classification: Likely benign. Last evaluated: 2024-11-21. Review status: criteria provided, single submitter. Criteria: ACMG Guidelines, 2015. Collection method: clinical testing. Allele origin: germline.

CeGaT Center for Human Genetics Tuebingen
Classification: Benign. Last evaluated: 2022-06-01. Review status: criteria provided, single submitter. Criteria: CeGaT Center For Human Genetics Tuebingen Variant Classification Criteria Version 2. Collection method: clinical testing. Allele origin: germline. Affected: yes. Observed: 1 variant allele.
Comment: HSF4: BS1, BS2

GeneDx
Classification: Benign. Last evaluated: 2021-03-03. Review status: criteria provided, single submitter. Criteria: GeneDx Variant Classification Process June 2021. Collection method: clinical testing. Allele origin: germline. Affected: yes.
Comment: This variant is associated with the following publications: (PMID: 19182255)

Illumina Laboratory Services, Illumina
Classification: Benign for Cataract 5 multiple types. Last evaluated: 2018-01-13. Review status: criteria provided, single submitter. Criteria: ICSL Variant Classification Criteria 13 December 2019. Collection method: clinical testing. Allele origin: germline.
Comment: This variant was observed in the ICSL laboratory as part of a predisposition screen in an ostensibly healthy population. It had not been previously curated by ICSL or reported in the Human Gene Mutation Database (HGMD: prior to June 1st, 2018), and was therefore a candidate for classification through an automated scoring system. Utilizing variant allele frequency, disease prevalence and penetrance estimates, and inheritance mode, an automated score was calculated to assess if this variant is too frequent to cause the disease. Based on the score and internal cut-off values, a variant classified as benign is not then subjected to further curation. The score for this variant resulted in a classification of benign for this disease.

PreventionGenetics, part of Exact Sciences
Classification: Likely benign for HSF4-related condition. Last evaluated: 2020-02-21. Review status: no assertion criteria provided. Collection method: clinical testing. Allele origin: germline. Not counted in ClinVar's aggregate classification.
Comment: This variant is classified as likely benign based on ACMG/AMP sequence variant interpretation guidelines (Richards et al. 2015 PMID: 25741868, with internal and published modifications).

NM_001374675.1(HSF4):c.636G>T (p.Met212Ile)

Gene: HSF4 (heat shock transcription factor 4; plus strand). Cytogenetic location: 16q22.1.
Variant type: single nucleotide variant.
Coding change: c.636G>T on transcript NM_001374675.1 (MANE Select); coding-DNA position 636, G replaced by T.
Protein change: p.Met212Ile; replaces methionine 212 with isoleucine.
Molecular consequence: missense variant.
Genome position (GRCh38, 1-based): chr16:67,167,129, G>T. VCF-style: chr16-67167129-G-T. GRCh37 (hg19) VCF-style: chr16-67201032-G-T.
Other names: c.636G>T, p.Met212Ile (NM_001040667.3, NM_001374674.1, NM_001538.4); short protein forms M212I.
Identifiers: ClinVar variation 320185 (VCV000320185.40), dbSNP rs199742128, ClinGen allele CA8101918.
Genomic context (GRCh38, chr16:67,167,129, plus strand): 5'-ATGGGGGCTGACCCTGCCCCACCCCTGCCTGTGCCCTGATCGACCACACAGGTCCCTGAT[G>T]CTGGATGAGGGGAGCTCATGCCCAACACCTGCCAAGTTCAACACCTGCCCTCTACCTGGT-3'
Protein context (NP_001361604.1, residues 202-222): NAGGKRKLSL[Met212Ile]LDEGSSCPTP